The following is an entry in ClinVar:

ClinVar aggregate classification (germline): Uncertain significance. Review status: criteria provided, multiple submitters, no conflicts (2 of 4 stars). 2 submissions from 2 submitters: Uncertain significance (2). Last evaluated 2024-12-02.

Conditions:
Charcot-Marie-Tooth disease type 2R. Also called: CHARCOT-MARIE-TOOTH DISEASE, AXONAL, AUTOSOMAL RECESSIVE, TYPE 2R; Charcot-Marie-Tooth disease, axonal, type 2R; CHARCOT-MARIE-TOOTH NEUROPATHY, TYPE 2R. Identifiers: Orphanet 397968, MedGen C3809655, MONDO:0014208, OMIM 615490.

Allele frequency attached by ClinVar (database versions not stated): gnomAD exomes 0.00003; TOPMed 0.00003; ExAC 0.00004; gnomAD 0.00001.
gnomAD v4.1: 19 of 1,614,116 alleles (0.0012%); highest among the groups gnomAD compares: Admixed American, 0.027%; no homozygotes.

Submissions (2):

Ambry Genetics
Classification: Uncertain significance. Last evaluated: 2024-12-02. Review status: criteria provided, single submitter. Criteria: Ambry Variant Classification Scheme 2023. Collection method: clinical testing. Allele origin: germline.

Labcorp Genetics (formerly Invitae), Labcorp
Classification: Uncertain significance for Charcot-Marie-Tooth disease type 2R. Last evaluated: 2023-05-29. Review status: criteria provided, single submitter. Criteria: Invitae Variant Classification Sherloc (09022015). Collection method: clinical testing. Allele origin: germline.
Comment: This sequence change replaces glutamic acid, which is acidic and polar, with glycine, which is neutral and non-polar, at codon 99 of the TRIM2 protein (p.Glu99Gly). This variant is present in population databases (rs745893565, gnomAD 0.04%). This variant has not been reported in the literature in individuals affected with TRIM2-related conditions. ClinVar contains an entry for this variant (Variation ID: 2037822). An algorithm developed to predict the effect of missense changes on protein structure and function (PolyPhen-2) suggests that this variant is likely to be tolerated. In summary, the available evidence is currently insufficient to determine the role of this variant in disease. Therefore, it has been classified as a Variant of Uncertain Significance.

NM_015271.5(TRIM2):c.377A>G (p.Glu126Gly)

Gene: TRIM2 (tripartite motif containing 2; plus strand). Cytogenetic location: 4q31.3.
Variant type: single nucleotide variant.
Coding change: c.377A>G on transcript NM_015271.5 (MANE Select); coding-DNA position 377, A replaced by G.
Protein change: p.Glu126Gly; replaces glutamic acid 126 with glycine.
Molecular consequence: missense variant. On other transcripts: 5 prime UTR variant (1).
Genome position (GRCh38, 1-based): chr4:153,276,054, A>G. VCF-style: chr4-153276054-A-G. GRCh37 (hg19) VCF-style: chr4-154197206-A-G.
Other names: c.296A>G, p.Glu99Gly (NM_001130067.2, NM_001351056.2, NM_001375512.1 and 5 more transcripts); c.377A>G, p.Glu126Gly (NM_001302692.2, NM_001375488.1, NM_001375490.1 and 1 more transcripts); c.374A>G, p.Glu125Gly (NM_001302693.2, NM_001375489.1, NM_001375491.1 and 1 more transcripts); c.350A>G, p.Glu117Gly (NM_001302694.2, NM_001351054.2); c.347A>G, p.Glu116Gly (NM_001351055.2); c.-181A>G (NM_001351057.2); c.38A>G, p.Glu13Gly (NM_001375522.1, NM_001375523.1, NM_001375525.1); c.377A>G (NM_015271.3); short protein forms E116G, E13G, E126G, E125G, E99G, E117G.
Identifiers: ClinVar variation 2037822 (VCV002037822.5), dbSNP rs745893565, ClinGen allele CA3108514.